The following is an entry in ClinVar:

ClinVar aggregate classification (germline): Uncertain significance (1 of 4 stars; one submission).

Allele frequency attached by ClinVar (database versions not stated): TOPMed 0.00003.

Submission:

Labcorp Genetics (formerly Invitae), Labcorp
Classification: Uncertain significance. Last evaluated: 2022-04-18. Review status: criteria provided, single submitter. Criteria: Invitae Variant Classification Sherloc (09022015). Collection method: clinical testing. Allele origin: germline.
Comment: This variant is not present in population databases (gnomAD no frequency). In summary, the available evidence is currently insufficient to determine the role of this variant in disease. Therefore, it has been classified as a Variant of Uncertain Significance. Algorithms developed to predict the effect of missense changes on protein structure and function (SIFT, PolyPhen-2, Align-GVGD) all suggest that this variant is likely to be disruptive. This variant has not been reported in the literature in individuals affected with IMPG2-related conditions. This sequence change replaces isoleucine, which is neutral and non-polar, with asparagine, which is neutral and polar, at codon 227 of the IMPG2 protein (p.Ile227Asn).

NM_016247.4(IMPG2):c.680T>A (p.Ile227Asn)

Gene: IMPG2 (interphotoreceptor matrix proteoglycan 2; minus strand). Cytogenetic location: 3q12.3.
Variant type: single nucleotide variant.
Coding change: c.680T>A on transcript NM_016247.4 (MANE Select); coding-DNA position 680, T replaced by A.
Protein change: p.Ile227Asn; replaces isoleucine 227 with asparagine.
Molecular consequence: missense variant.
Genome position (GRCh38, 1-based): chr3:101,273,729, A>T on the plus strand (T>A on the coding strand, the complement: IMPG2 is on the minus strand). VCF-style: chr3-101273729-A-T. GRCh37 (hg19) VCF-style: chr3-100992573-A-T.
Other names: short protein forms I227N.
Identifiers: ClinVar variation 1908995 (VCV001908995.5), dbSNP rs1337462574, ClinGen allele CA353868157.